The following is an entry in ClinVar:

ClinVar aggregate classification (germline): Uncertain significance (1 of 4 stars; one submission).

Conditions:
Inborn genetic diseases. Identifiers: MedGen C0950123, MeSH D030342.

Submission:

Ambry Genetics
Classification: Uncertain significance for Inborn genetic diseases. Last evaluated: 2023-12-05. Review status: criteria provided, single submitter. Criteria: Ambry Variant Classification Scheme 2023. Collection method: clinical testing. Allele origin: germline.
Comment: The p.K300E variant (also known as c.898A>G), located in coding exon 4 of the ATR gene, results from an A to G substitution at nucleotide position 898. The lysine at codon 300 is replaced by glutamic acid, an amino acid with similar properties. This amino acid position is conserved. In addition, this alteration is predicted to be tolerated by in silico analysis. Since supporting evidence is limited at this time, the clinical significance of this alteration remains unclear.

NM_001184.4(ATR):c.898A>G (p.Lys300Glu)

Gene: ATR (ATR checkpoint kinase; minus strand). Cytogenetic location: 3q23.
Variant type: single nucleotide variant.
Coding change: c.898A>G on transcript NM_001184.4 (MANE Select); coding-DNA position 898, A replaced by G.
Protein change: p.Lys300Glu; replaces lysine 300 with glutamic acid.
Molecular consequence: missense variant.
Genome position (GRCh38, 1-based): chr3:142,562,504, T>C on the plus strand (A>G on the coding strand, the complement: ATR is on the minus strand). VCF-style: chr3-142562504-T-C. GRCh37 (hg19) VCF-style: chr3-142281346-T-C.
Other names: c.898A>G, p.Lys300Glu (NM_001354579.2); short protein forms K300E.
Identifiers: ClinVar variation 3221309 (VCV003221309.1), dbSNP rs2473426560, ClinGen allele CA354824878.